The following is an entry in ClinVar:

NM_014989.7(RIMS1):c.1213C>T (p.Pro405Ser)

Gene: RIMS1 (regulating synaptic membrane exocytosis 1; plus strand). Cytogenetic location: 6q13.
Variant type: single nucleotide variant.
Coding change: c.1213C>T on transcript NM_014989.7 (MANE Select); coding-DNA position 1213, C replaced by T.
Protein change: p.Pro405Ser; replaces proline 405 with serine.
Molecular consequence: missense variant.
Genome position (GRCh38, 1-based): chr6:72,182,684, C>T. VCF-style: chr6-72182684-C-T. GRCh37 (hg19) VCF-style: chr6-72892387-C-T.
Other names: short protein forms P405S.
Identifiers: ClinVar variation 1433001 (VCV001433001.9), dbSNP rs1366874463, ClinGen allele CA364820494.
Genomic context (GRCh38, chr6:72,182,684, plus strand): 5'-AGGCACGAGCGGCGCCACAGCGACGTGGCGCTCCCGCGCACCGAGGCGGGCGCGGCGCTG[C>T]CGGAGGGCAAGGCCGGCAAACGCGCGCCGGCGGCAGCCAGGGCCTCGCCGCCGGACTCGC-3'
Protein context (NP_055804.2, residues 395-415): LPRTEAGAAL[Pro405Ser]EGKAGKRAPA

ClinVar aggregate classification (germline): Uncertain significance. Review status: criteria provided, multiple submitters, no conflicts (2 of 4 stars). 2 submissions from 2 submitters: Uncertain significance (2). Last evaluated 2025-03-31.

Allele frequency attached by ClinVar (database versions not stated): TOPMed below 0.00001; gnomAD 0.00001; gnomAD exomes 0.00001.

Submissions (2):

Labcorp Genetics (formerly Invitae), Labcorp
Classification: Uncertain significance. Last evaluated: 2025-03-31. Review status: criteria provided, single submitter. Criteria: Invitae Variant Classification Sherloc (09022015). Collection method: clinical testing. Allele origin: germline.
Comment: This sequence change replaces proline, which is neutral and non-polar, with serine, which is neutral and polar, at codon 405 of the RIMS1 protein (p.Pro405Ser). The frequency data for this variant in the population databases is considered unreliable, as metrics indicate poor data quality at this position in the gnomAD database. This variant has not been reported in the literature in individuals affected with RIMS1-related conditions. ClinVar contains an entry for this variant (Variation ID: 1433001). An algorithm developed to predict the effect of missense changes on protein structure and function (PolyPhen-2) suggests that this variant is likely to be tolerated. In summary, the available evidence is currently insufficient to determine the role of this variant in disease. Therefore, it has been classified as a Variant of Uncertain Significance.

Blueprint Genetics
Classification: Uncertain significance. Last evaluated: 2019-08-20. Review status: criteria provided, single submitter. Criteria: ACMG Guidelines, 2015. Collection method: clinical testing. Allele origin: germline.